The following is an entry in ClinVar:

NM_031220.4(PITPNM3):c.1570C>T (p.His524Tyr)

Gene: PITPNM3 (PITPNM family member 3; minus strand). Cytogenetic location: 17p13.2.
Variant type: single nucleotide variant.
Coding change: c.1570C>T on transcript NM_031220.4 (MANE Select); coding-DNA position 1570, C replaced by T.
Protein change: p.His524Tyr; replaces histidine 524 with tyrosine.
Molecular consequence: missense variant.
Genome position (GRCh38, 1-based): chr17:6,471,215, G>A on the plus strand (C>T on the coding strand, the complement: PITPNM3 is on the minus strand). VCF-style: chr17-6471215-G-A. GRCh37 (hg19) VCF-style: chr17-6374535-G-A.
Other names: c.1462C>T, p.His488Tyr (NM_001165966.2); c.1570C>T (NM_031220.3); short protein forms H524Y, H488Y.
Identifiers: ClinVar variation 1415350 (VCV001415350.11), dbSNP rs1048530160, ClinGen allele CA287315368.

ClinVar aggregate classification (germline): Uncertain significance. Review status: criteria provided, multiple submitters, no conflicts (2 of 4 stars). 3 submissions from 3 submitters: Uncertain significance (3). Last evaluated 2025-08-21.

Allele frequency attached by ClinVar (database versions not stated): gnomAD exomes below 0.00001; TOPMed 0.00002.

Submissions (3):

Labcorp Genetics (formerly Invitae), Labcorp
Classification: Uncertain significance. Last evaluated: 2025-08-21. Review status: criteria provided, single submitter. Criteria: Invitae Variant Classification Sherloc (09022015). Collection method: clinical testing. Allele origin: germline.
Comment: This sequence change replaces histidine, which is basic and polar, with tyrosine, which is neutral and polar, at codon 524 of the PITPNM3 protein (p.His524Tyr). This variant is present in population databases (no rsID available, gnomAD 0.003%). This variant has not been reported in the literature in individuals affected with PITPNM3-related conditions. ClinVar contains an entry for this variant (Variation ID: 1415350). An algorithm developed to predict the effect of missense changes on protein structure and function (PolyPhen-2) suggests that this variant is likely to be tolerated. In summary, the available evidence is currently insufficient to determine the role of this variant in disease. Therefore, it has been classified as a Variant of Uncertain Significance.

Blueprint Genetics
Classification: Uncertain significance. Last evaluated: 2024-09-13. Review status: criteria provided, single submitter. Criteria: ACMG Guidelines, 2015. Collection method: clinical testing. Allele origin: germline.

Ambry Genetics
Classification: Uncertain significance. Last evaluated: 2024-03-04. Review status: criteria provided, single submitter. Criteria: Ambry Variant Classification Scheme 2023. Collection method: clinical testing. Allele origin: germline.